The following is an entry in ClinVar:

NM_004667.6(HERC2):c.6795C>T (p.Ala2265=)

Gene: HERC2 (HECT and RLD domain containing E3 ubiquitin protein ligase 2; minus strand). Cytogenetic location: 15q13.1.
Variant type: single nucleotide variant.
Coding change: c.6795C>T on transcript NM_004667.6 (MANE Select); coding-DNA position 6795, C replaced by T.
Protein change: p.Ala2265=; no amino-acid change (alanine 2265 retained).
Molecular consequence: synonymous variant.
Genome position (GRCh38, 1-based): chr15:28,212,575, G>A on the plus strand (C>T on the coding strand, the complement: HERC2 is on the minus strand). VCF-style: chr15-28212575-G-A. GRCh37 (hg19) VCF-style: chr15-28457721-G-A.
Identifiers: ClinVar variation 2645063 (VCV002645063.25), dbSNP rs374528497, ClinGen allele CA7441928.
Genomic context (GRCh38, chr15:28,212,575, plus strand): 5'-CTGAGCCCAGACAGACAGCATGGGCTCTGTGAAGGGCAGGTTGTTCACATTAAAGGCCAC[G>A]GCAGGGAGCTGGAGAGGACACAGAAGCTGTCAGAGTGTGGCCAATACGACTAACAAATGA-3'
Protein context (NP_004658.3, residues 2255-2275): CPLNQLKPLP[Ala2265=]VAFNVNNLPF

ClinVar aggregate classification (germline): Likely benign. Review status: criteria provided, multiple submitters, no conflicts (2 of 4 stars). 2 submissions from 2 submitters: Likely benign (2). Last evaluated 2024-03-21.

Allele frequency attached by ClinVar (database versions not stated): gnomAD exomes 0.00002; gnomAD 0.00005; TOPMed 0.00006; ESP Exome Variant Server 0.00008; ExAC 0.00011.
gnomAD v4.1: 41 of 1,607,058 alleles (0.0026%); highest among the groups gnomAD compares: African/African-American, 0.0067%; no homozygotes.

Submissions (2):

Blueprint Genetics
Classification: Likely benign. Last evaluated: 2024-03-21. Review status: criteria provided, single submitter. Criteria: ACMG Guidelines, 2015. Collection method: clinical testing. Allele origin: germline.

CeGaT Center for Human Genetics Tuebingen
Classification: Likely benign. Last evaluated: 2022-05-01. Review status: criteria provided, single submitter. Criteria: CeGaT Center For Human Genetics Tuebingen Variant Classification Criteria Version 2. Collection method: clinical testing. Allele origin: germline. Affected: yes. Observed: 1 variant allele.
Comment: HERC2: BP4, BP7